The following is an entry in ClinVar:

ClinVar aggregate classification (germline): Uncertain significance. Review status: criteria provided, multiple submitters, no conflicts (2 of 4 stars). 2 submissions from 2 submitters: Uncertain significance (2). Last evaluated 2022-03-11.

Conditions:
Deficiency of malonyl-CoA decarboxylase. Also called: Malonic aciduria; MCD deficiency. Identifiers: Orphanet 943, MedGen C0342793, MONDO:0009556, OMIM 248360.

Allele frequency attached by ClinVar (database versions not stated): ExAC 0.00002; TOPMed 0.00005; gnomAD 0.00006; ESP Exome Variant Server 0.00008; 1000 Genomes Project 30x 0.00016; 1000 Genomes Project 0.00020.
gnomAD v4.1: 144 of 1,614,216 alleles (0.0089%); highest among the groups gnomAD compares: Non-Finnish European, 0.012%; no homozygotes.

Submissions (2):

Labcorp Genetics (formerly Invitae), Labcorp
Classification: Uncertain significance for Deficiency of malonyl-CoA decarboxylase. Last evaluated: 2022-03-11. Review status: criteria provided, single submitter. Criteria: Invitae Variant Classification Sherloc (09022015). Collection method: clinical testing. Allele origin: germline.
Comment: This sequence change replaces glutamic acid, which is acidic and polar, with lysine, which is basic and polar, at codon 198 of the MLYCD protein (p.Glu198Lys). This variant is present in population databases (rs201780465, gnomAD 0.006%). This variant has not been reported in the literature in individuals affected with MLYCD-related conditions. ClinVar contains an entry for this variant (Variation ID: 886313). Algorithms developed to predict the effect of missense changes on protein structure and function (SIFT, PolyPhen-2, Align-GVGD) all suggest that this variant is likely to be disruptive. In summary, the available evidence is currently insufficient to determine the role of this variant in disease. Therefore, it has been classified as a Variant of Uncertain Significance.

Illumina Laboratory Services, Illumina
Classification: Uncertain significance for Deficiency of malonyl-CoA decarboxylase. Last evaluated: 2018-01-13. Review status: criteria provided, single submitter. Criteria: ICSL Variant Classification Criteria 13 December 2019. Collection method: clinical testing. Allele origin: germline.

NM_012213.3(MLYCD):c.592G>A (p.Glu198Lys)

Gene: MLYCD (malonyl-CoA decarboxylase; plus strand). Cytogenetic location: 16q23.3.
Variant type: single nucleotide variant.
Coding change: c.592G>A on transcript NM_012213.3 (MANE Select); coding-DNA position 592, G replaced by A.
Protein change: p.Glu198Lys; replaces glutamic acid 198 with lysine.
Molecular consequence: missense variant.
Genome position (GRCh38, 1-based): chr16:83,907,050, G>A. VCF-style: chr16-83907050-G-A. GRCh37 (hg19) VCF-style: chr16-83940655-G-A.
Other names: short protein forms E198K.
Identifiers: ClinVar variation 886313 (VCV000886313.5), dbSNP rs201780465, ClinGen allele CA8197288.